The following is an entry in ClinVar:

ClinVar aggregate classification (germline): Uncertain significance. Review status: criteria provided, multiple submitters, no conflicts (2 of 4 stars). 2 submissions from 2 submitters: Uncertain significance (2). Last evaluated 2023-08-09.

Conditions:
Inborn genetic diseases. Identifiers: MedGen C0950123, MeSH D030342.

Allele frequency attached by ClinVar (database versions not stated): gnomAD exomes below 0.00001; TOPMed 0.00001.
gnomAD v4.1: 1 of 1,589,852 alleles (0.000063%); highest among the groups gnomAD compares: Non-Finnish European, 0.000085%; no homozygotes.

Submissions (2):

Labcorp Genetics (formerly Invitae), Labcorp
Classification: Uncertain significance. Last evaluated: 2023-08-09. Review status: criteria provided, single submitter. Criteria: Invitae Variant Classification Sherloc (09022015). Collection method: clinical testing. Allele origin: germline.
Comment: This variant is not present in population databases (gnomAD no frequency). This sequence change replaces serine, which is neutral and polar, with asparagine, which is neutral and polar, at codon 607 of the DVL1 protein (p.Ser607Asn). This variant has not been reported in the literature in individuals affected with DVL1-related conditions. In summary, the available evidence is currently insufficient to determine the role of this variant in disease. Therefore, it has been classified as a Variant of Uncertain Significance. Advanced modeling of protein sequence and biophysical properties (such as structural, functional, and spatial information, amino acid conservation, physicochemical variation, residue mobility, and thermodynamic stability) performed at Invitae indicates that this missense variant is not expected to disrupt DVL1 protein function. ClinVar contains an entry for this variant (Variation ID: 2282552).

Ambry Genetics
Classification: Uncertain significance for Inborn genetic diseases. Last evaluated: 2022-04-08. Review status: criteria provided, single submitter. Criteria: Ambry Variant Classification Scheme 2023. Collection method: clinical testing. Allele origin: germline.

NM_001330311.2(DVL1):c.1895G>A (p.Ser632Asn)

Gene: DVL1 (dishevelled segment polarity protein 1; minus strand). Cytogenetic location: 1p36.33.
Variant type: single nucleotide variant.
Coding change: c.1895G>A on transcript NM_001330311.2 (MANE Select); coding-DNA position 1895, G replaced by A.
Protein change: p.Ser632Asn; replaces serine 632 with asparagine.
Molecular consequence: missense variant.
Genome position (GRCh38, 1-based): chr1:1,336,335, C>T on the plus strand (G>A on the coding strand, the complement: DVL1 is on the minus strand). VCF-style: chr1-1336335-C-T. GRCh37 (hg19) VCF-style: chr1-1271715-C-T.
Other names: c.1820G>A, p.Ser607Asn (NM_004421.3); short protein forms S607N, S632N.
Identifiers: ClinVar variation 2282552 (VCV002282552.5), dbSNP rs1322099615, ClinGen allele CA337855862.